The following is an entry in ClinVar:

NM_000642.3(AGL):c.4079G>A (p.Gly1360Asp)

Gene: AGL (amylo-alpha-1,6-glucosidase and 4-alpha-glucanotransferase; plus strand). Cytogenetic location: 1p21.2.
Variant type: single nucleotide variant.
Coding change: c.4079G>A on transcript NM_000642.3 (MANE Select); coding-DNA position 4079, G replaced by A.
Protein change: p.Gly1360Asp; replaces glycine 1360 with aspartic acid.
Molecular consequence: missense variant.
Genome position (GRCh38, 1-based): chr1:99,913,656, G>A. VCF-style: chr1-99913656-G-A. GRCh37 (hg19) VCF-style: chr1-100379212-G-A.
Other names: c.4079G>A, p.Gly1360Asp (NM_000028.3, NM_000643.3, NM_000644.3 and 1 more transcripts); c.4031G>A, p.Gly1344Asp (NM_000646.3); c.4058G>A, p.Gly1353Asp (NM_001425326.1); c.3878G>A, p.Gly1293Asp (NM_001425327.1); c.3875G>A, p.Gly1292Asp (NM_001425328.1); c.3740G>A, p.Gly1247Asp (NM_001425329.1); c.3701G>A, p.Gly1234Asp (NM_001425332.1); short protein forms G1360D, G1344D, G1234D, G1247D, G1292D, G1293D, G1353D.
Identifiers: ClinVar variation 526600 (VCV000526600.11), dbSNP rs1361507097, ClinGen allele CA341339979.

ClinVar aggregate classification (germline): Uncertain significance. Review status: criteria provided, single submitter (1 of 4 stars). 2 submissions from 2 submitters: Uncertain significance (1). 1 of the submissions does not count toward it. Last evaluated 2022-07-26.

Conditions:
Glycogen storage disease type III (GSD3). Also called: Cori disease; FORBES DISEASE. Identifiers: Orphanet 366, MedGen C0017922, MONDO:0009291, OMIM 232400.

Allele frequency attached by ClinVar (database versions not stated): gnomAD exomes below 0.00001 and 0.00001.
gnomAD v4.1: 1 of 1,614,090 alleles (0.000062%); highest among the groups gnomAD compares: Admixed American, 0.0017%; no homozygotes.

Submissions (2):

Labcorp Genetics (formerly Invitae), Labcorp
Classification: Uncertain significance for Glycogen storage disease type III. Last evaluated: 2022-07-26. Review status: criteria provided, single submitter. Criteria: Invitae Variant Classification Sherloc (09022015). Collection method: clinical testing. Allele origin: germline.
Comment: In summary, the available evidence is currently insufficient to determine the role of this variant in disease. Therefore, it has been classified as a Variant of Uncertain Significance. Algorithms developed to predict the effect of missense changes on protein structure and function are either unavailable or do not agree on the potential impact of this missense change (SIFT: "Tolerated"; PolyPhen-2: "Probably Damaging"; Align-GVGD: "Class C0"). ClinVar contains an entry for this variant (Variation ID: 526600). This variant has not been reported in the literature in individuals affected with AGL-related conditions. This sequence change replaces glycine, which is neutral and non-polar, with aspartic acid, which is acidic and polar, at codon 1360 of the AGL protein (p.Gly1360Asp). The frequency data for this variant in the population databases is considered unreliable, as metrics indicate poor data quality at this position in the gnomAD database.

Natera, Inc.
Classification: Uncertain significance for Glycogen storage disease type III. Last evaluated: 2021-08-06. Review status: no assertion criteria provided. Collection method: clinical testing. Allele origin: germline. Not counted in ClinVar's aggregate classification.